The following is an entry in ClinVar:

ClinVar aggregate classification (germline): Uncertain significance (1 of 4 stars; one submission).

Conditions:
Hereditary cancer-predisposing syndrome. Also called: Neoplastic Syndromes, Hereditary; Tumor predisposition; Hereditary Cancer Syndrome; Hereditary neoplastic syndrome. Identifiers: Orphanet 140162, MedGen C0027672, MeSH D009386, MONDO:0015356.

Submission:

Color Diagnostics, LLC DBA Color Health
Classification: Uncertain significance for Hereditary cancer-predisposing syndrome. Last evaluated: 2024-03-06. Review status: criteria provided, single submitter. Criteria: ACMG Guidelines, 2015. Collection method: clinical testing. Allele origin: germline.
Comment: This missense variant replaces glutamic acid with alanine at codon 1724 of the ATM protein. Computational prediction suggests that this variant may not impact protein structure and function (internally defined REVEL score threshold <= 0.5, PMID: 27666373). To our knowledge, functional studies have not been reported for this variant. This variant has not been reported in individuals affected with hereditary cancer in the literature. This variant has not been identified in the general population by the Genome Aggregation Database (gnomAD). The available evidence is insufficient to determine the role of this variant in disease conclusively. Therefore, this variant is classified as a Variant of Uncertain Significance.

NM_000051.4(ATM):c.5171A>C (p.Glu1724Ala)

Gene: ATM (ATM serine/threonine kinase; plus strand). Cytogenetic location: 11q22.3.
Variant type: single nucleotide variant.
Coding change: c.5171A>C on transcript NM_000051.4 (MANE Select); coding-DNA position 5171, A replaced by C.
Protein change: p.Glu1724Ala; replaces glutamic acid 1724 with alanine.
Molecular consequence: missense variant.
Genome position (GRCh38, 1-based): chr11:108,299,879, A>C. VCF-style: chr11-108299879-A-C. GRCh37 (hg19) VCF-style: chr11-108170606-A-C.
Other names: c.5171A>C, p.Glu1724Ala (NM_001351834.2); short protein forms E1724A.
Identifiers: ClinVar variation 2774681 (VCV002774681.2), dbSNP rs2135893191, ClinGen allele CA382541199.